The following is an entry in ClinVar:

ClinVar aggregate classification (germline): Uncertain significance (1 of 4 stars; one submission).

Conditions:
Hereditary cancer-predisposing syndrome. Also called: Tumor predisposition; Hereditary Cancer Syndrome; Hereditary neoplastic syndrome; Neoplastic Syndromes, Hereditary. Identifiers: Orphanet 140162, MedGen C0027672, MeSH D009386, MONDO:0015356.

gnomAD v4.1: 1 of 1,607,238 alleles (0.000062%); highest among the groups gnomAD compares: African/African-American, 0.0013%; no homozygotes.

Submission:

Ambry Genetics
Classification: Uncertain significance for Hereditary cancer-predisposing syndrome. Last evaluated: 2023-06-15. Review status: criteria provided, single submitter. Criteria: Ambry Variant Classification Scheme 2023. Collection method: clinical testing. Allele origin: germline.
Comment: The p.G1186S variant (also known as c.3556G>A), located in coding exon 6 of the MSH6 gene, results from a G to A substitution at nucleotide position 3556. The glycine at codon 1186 is replaced by serine, an amino acid with similar properties. However, this change occurs in the last base pair of coding exon 6 and may have some effect on normal mRNA splicing. This nucleotide position is highly conserved in available vertebrate species. In silico splice site analysis predicts that this alteration will not have any significant effect on splicing. This amino acid position is highly conserved in available vertebrate species. In addition, as a missense substitution this is predicted to be deleterious by in silico analysis. Since supporting evidence is limited at this time, the clinical significance of this alteration remains unclear.

NM_000179.3(MSH6):c.3556G>A (p.Gly1186Ser)

Gene: MSH6 (mutS homolog 6; plus strand). Cytogenetic location: 2p16.3.
Variant type: single nucleotide variant.
Coding change: c.3556G>A on transcript NM_000179.3 (MANE Select); coding-DNA position 3556, G replaced by A.
Protein change: p.Gly1186Ser; replaces glycine 1186 with serine.
Molecular consequence: missense variant. On other transcripts: non-coding transcript variant (4).
Genome position (GRCh38, 1-based): chr2:47,805,027, G>A. VCF-style: chr2-47805027-G-A. GRCh37 (hg19) VCF-style: chr2-48032166-G-A.
Other names: c.3166G>A, p.Gly1056Ser (NM_001281492.2); c.2650G>A, p.Gly884Ser (NM_001281493.2, NM_001281494.2, NM_001406811.1 and 6 more transcripts); c.3652G>A, p.Gly1218Ser (NM_001406795.1, NM_001406802.1); c.3556G>A, p.Gly1186Ser (NM_001406796.1, NM_001406800.1, NM_001406808.1 and 1 more transcripts); c.3259G>A, p.Gly1087Ser (NM_001406797.1, NM_001406801.1, NM_001406805.1 and 10 more transcripts); c.3382G>A, p.Gly1128Ser (NM_001406798.1); c.3031G>A, p.Gly1011Ser (NM_001406799.1, NM_001406806.1, NM_001406807.1); c.2692G>A, p.Gly898Ser (NM_001406803.1); and 7 more; short protein forms G1056S, G1130S, G113S, G1160S, G884S, G1087S, G135S, G1011S.
Identifiers: ClinVar variation 2587318 (VCV002587318.2), dbSNP rs1060502909, ClinGen allele CA346760278.